The following is an entry in ClinVar:

NM_001793.6(CDH3):c.2368G>C (p.Ala790Pro)

Gene: CDH3 (cadherin 3; plus strand). Cytogenetic location: 16q22.1.
Variant type: single nucleotide variant.
Coding change: c.2368G>C on transcript NM_001793.6 (MANE Select); coding-DNA position 2368, G replaced by C.
Protein change: p.Ala790Pro; replaces alanine 790 with proline.
Molecular consequence: missense variant. On other transcripts: 3 prime UTR variant (1).
Genome position (GRCh38, 1-based): chr16:68,698,278, G>C. VCF-style: chr16-68698278-G-C. GRCh37 (hg19) VCF-style: chr16-68732181-G-C.
Other names: c.*111G>C (NM_001317195.3); c.2203G>C, p.Ala735Pro (NM_001317196.2); short protein forms A735P, A790P.
Identifiers: ClinVar variation 852907 (VCV000852907.8), dbSNP rs773908098, ClinGen allele CA396456803.

ClinVar aggregate classification (germline): Uncertain significance (1 of 4 stars; one submission).

Submission:

Labcorp Genetics (formerly Invitae), Labcorp
Classification: Uncertain significance. Last evaluated: 2019-12-31. Review status: criteria provided, single submitter. Criteria: Invitae Variant Classification Sherloc (09022015). Collection method: clinical testing. Allele origin: germline.
Comment: Algorithms developed to predict the effect of missense changes on protein structure and function output the following: SIFT: "Not Available"; PolyPhen-2: "Benign"; Align-GVGD: "Not Available". The proline amino acid residue is found in multiple mammalian species, suggesting that this missense change does not adversely affect protein function. These predictions have not been confirmed by published functional studies and their clinical significance is uncertain. This variant has not been reported in the literature in individuals with CDH3-related conditions. This variant is not present in population databases (ExAC no frequency). This sequence change replaces alanine with proline at codon 790 of the CDH3 protein (p.Ala790Pro). The alanine residue is moderately conserved and there is a small physicochemical difference between alanine and proline. In summary, the available evidence is currently insufficient to determine the role of this variant in disease. Therefore, it has been classified as a Variant of Uncertain Significance.